The following is an entry in ClinVar:

ClinVar aggregate classification (germline): Uncertain significance. Review status: criteria provided, multiple submitters, no conflicts (2 of 4 stars). 2 submissions from 2 submitters: Uncertain significance (2). Last evaluated 2024-04-10.

Conditions:
Spinocerebellar ataxia type 42. Identifiers: Orphanet 458803, MedGen C4225205, MONDO:0014776, OMIM 616795.

gnomAD v4.1: 1 of 1,614,010 alleles (0.000062%); highest among the groups gnomAD compares: Non-Finnish European, 0.000085%; no homozygotes.

Submissions (2):

GeneDx
Classification: Uncertain significance. Last evaluated: 2024-04-10. Review status: criteria provided, single submitter. Criteria: GeneDx Variant Classification Process June 2021. Collection method: clinical testing. Allele origin: germline. Affected: yes.
Comment: Not observed at significant frequency in large population cohorts (gnomAD); In silico analysis supports that this missense variant has a deleterious effect on protein structure/function; Has not been previously published as pathogenic or benign to our knowledge

Neuberg Centre For Genomic Medicine, NCGM
Classification: Uncertain significance for Spinocerebellar ataxia type 42. Review status: criteria provided, single submitter. Criteria: ACMG Guidelines, 2015. Collection method: clinical testing. Allele origin: germline. Inheritance: Autosomal dominant inheritance. Affected: yes.

NM_018896.5(CACNA1G):c.4595T>C (p.Phe1532Ser)

Gene: CACNA1G (calcium voltage-gated channel subunit alpha1 G; plus strand). Cytogenetic location: 17q21.33.
Variant type: single nucleotide variant.
Coding change: c.4595T>C on transcript NM_018896.5 (MANE Select); coding-DNA position 4595, T replaced by C.
Protein change: p.Phe1532Ser; replaces phenylalanine 1532 with serine.
Molecular consequence: missense variant. On other transcripts: non-coding transcript variant (5), intron variant (5).
Genome position (GRCh38, 1-based): chr17:50,607,909, T>C. VCF-style: chr17-50607909-T-C. GRCh37 (hg19) VCF-style: chr17-48685270-T-C.
Other names: c.4595T>C, p.Phe1532Ser (NM_001256324.2, NM_001256325.2, NM_001256327.2 and 9 more transcripts); c.4514T>C, p.Phe1505Ser (NM_001256359.2, NM_001256361.2); c.4520T>C, p.Phe1507Ser (NM_001256360.2); c.4526T>C, p.Phe1509Ser (NM_198376.3, NM_198379.3, NM_198382.3 and 4 more transcripts); c.4513-20T>C (NM_001256326.2, NM_001256330.2, NM_001256329.2 and 1 more transcripts); c.4444-20T>C (NM_001256332.2); short protein forms F1505S, F1507S, F1509S, F1532S.
Identifiers: ClinVar variation 3372384 (VCV003372384.1).